The following is an entry in ClinVar:

ClinVar aggregate classification (germline): Uncertain significance (0 of 4 stars; one submission).

Conditions:
STARD7-related disorder. Also called: STARD7-related condition.

Submission:

PreventionGenetics, part of Exact Sciences
Classification: Uncertain significance for STARD7-related condition. Last evaluated: 2023-11-16. Review status: no assertion criteria provided. Collection method: clinical testing. Allele origin: germline.
Comment: The STARD7 c.796delT variant is predicted to result in a frameshift and premature protein termination (p.Ser266Hisfs*23). To our knowledge, this variant has not been reported in the literature or in a large population database, indicating this variant is rare. At this time, the clinical significance of this variant is uncertain due to the absence of conclusive functional and genetic evidence.

NM_020151.4(STARD7):c.796del (p.Ser266fs)

Gene: STARD7 (StAR related lipid transfer domain containing 7; minus strand). Cytogenetic location: 2q11.2.
Variant type: Deletion.
Coding change: c.796del on transcript NM_020151.4 (MANE Select); coding-DNA position 796, one base deleted (T; older notation c.796delT).
Protein change: p.Ser266fs; shifts the reading frame from serine 266.
Molecular consequence: frameshift variant.
Genome position (GRCh38, 1-based): chr2:96,192,416, A deleted on the plus strand (T on the coding strand, the reverse complement: STARD7 is on the minus strand). VCF-style (leftmost placement, unchanged base first): chr2-96192415-GA-G. GRCh37 (hg19) VCF-style: chr2-96858153-GA-G.
Other names: c.493del, p.Ser165fs (NM_001385622.1); short protein forms S165fs, S266fs.
Identifiers: ClinVar variation 3058470 (VCV003058470.2), dbSNP rs2467173011, ClinGen allele CA2740095677.